The following is an entry in ClinVar:

NM_000179.3(MSH6):c.2759del (p.Lys920fs)

Gene: MSH6 (mutS homolog 6; plus strand). Cytogenetic location: 2p16.3.
Variant type: Deletion.
Coding change: c.2759del on transcript NM_000179.3 (MANE Select); coding-DNA position 2759, one base deleted (A; older notation c.2759delA).
Protein change: p.Lys920fs; shifts the reading frame from lysine 920.
Molecular consequence: frameshift variant.
Genome position (GRCh38, 1-based): chr2:47,800,742, A deleted; the last of 4 consecutive A bases (chr2:47,800,739-47,800,742); deleting any one gives the same sequence. VCF-style (leftmost placement, unchanged base first): chr2-47800738-GA-G. GRCh37 (hg19) VCF-style: chr2-48027877-GA-G.
Other names: c.2369del, p.Lys790fs (NM_001281492.2); c.1853del, p.Lys618fs (NM_001281493.2, NM_001281494.2); c.2759delA (NM_000179.2); short protein forms K790fs, K920fs, K618fs.
Identifiers: ClinVar variation 428433 (VCV000428433.30), dbSNP rs1114167794, ClinGen allele CA645369255.

ClinVar aggregate classification (germline): Pathogenic/Likely pathogenic. Review status: criteria provided, multiple submitters, no conflicts (2 of 4 stars). 6 submissions from 6 submitters: Pathogenic (3); Likely pathogenic (2). 1 of the submissions does not count toward it. Last evaluated 2023-07-25.

Conditions:
Uterine corpus cancer. Identifiers: MedGen CN277893, MONDO:0006003.
Lynch syndrome. Identifiers: Orphanet 144, MedGen C4552100, MONDO:0005835. Disease mechanism: loss of function.
Lynch syndrome 5 (LYNCH5). Also called: Hereditary non-polyposis colorectal cancer, type 5; Colorectal cancer, hereditary nonpolyposis, type 5. Identifiers: Orphanet 144, MedGen C1833477, MONDO:0013710, OMIM 614350. Disease mechanism: loss of function.
Hereditary nonpolyposis colorectal neoplasms. Identifiers: MedGen C0009405, MeSH D003123.
Hereditary cancer-predisposing syndrome. Also called: Hereditary Cancer Syndrome; Neoplastic Syndromes, Hereditary; Hereditary neoplastic syndrome; Tumor predisposition. Identifiers: Orphanet 140162, MedGen C0027672, MeSH D009386, MONDO:0015356.

Submissions (6):

Myriad Genetics, Inc.
Classification: Pathogenic for Lynch syndrome 5. Last evaluated: 2023-07-25. Review status: criteria provided, single submitter. Criteria: Myriad Autosomal Dominant, Autosomal Recessive and X-Linked Classification Criteria (2023). Collection method: clinical testing. Allele origin: unknown.
Comment: This variant is considered pathogenic. This variant creates a frameshift predicted to result in premature protein truncation.

Ambry Genetics
Classification: Pathogenic for Hereditary cancer-predisposing syndrome. Last evaluated: 2022-06-20. Review status: criteria provided, single submitter. Criteria: Ambry Variant Classification Scheme 2023. Collection method: clinical testing. Allele origin: germline.
Comment: The c.2759delA pathogenic mutation, located in coding exon 4 of the MSH6 gene, results from a deletion of one nucleotide at nucleotide position 2759, causing a translational frameshift with a predicted alternate stop codon (p.K920Rfs*25).This variant is considered to be rare based on population cohorts in the Genome Aggregation Database (gnomAD). This alteration is expected to result in loss of function by premature protein truncation or nonsense-mediated mRNA decay. As such, this alteration is interpreted as a disease-causing mutation.

Labcorp Genetics (formerly Invitae), Labcorp
Classification: Pathogenic for Hereditary nonpolyposis colorectal neoplasms. Last evaluated: 2022-02-23. Review status: criteria provided, single submitter. Criteria: Invitae Variant Classification Sherloc (09022015). Collection method: clinical testing. Allele origin: germline.
Comment: This variant has not been reported in the literature in individuals affected with MSH6-related conditions. This variant is not present in population databases (gnomAD no frequency). This sequence change creates a premature translational stop signal (p.Lys920Argfs*25) in the MSH6 gene. It is expected to result in an absent or disrupted protein product. Loss-of-function variants in MSH6 are known to be pathogenic (PMID: 18269114, 24362816). ClinVar contains an entry for this variant (Variation ID: 428433). For these reasons, this variant has been classified as Pathogenic.

Laboratory for Molecular Medicine, Mass General Brigham Personalized Medicine
Classification: Likely pathogenic for Lynch syndrome. Last evaluated: 2019-05-08. Review status: criteria provided, single submitter. Criteria: ACMG Guidelines, 2015. Collection method: clinical testing. Allele origin: germline.
Comment: The p.Lys920ArgfsX25 variant in MSH6 has not been previously reported in individuals with Lynch Syndrome and was absent from large population studies. This variant has also been reported in ClinVar (Variation ID 428433). This variant is predicted to cause a frameshift, which alters the protein’s amino acid sequence beginning at position 920 and leads to a premature termination codon 27 amino acids downstream. This alteration is then predicted to lead to a truncated or absent protein. Heterozygous loss of function of the MSH6 gene is an established disease mechanism in individuals with Lynch syndrome. In summary, this variant meets criteria to be classified as likely pathogenic for autosomal dominant Lynch syndrome. ACMG/AMP criteria applied: PVS1, PM2.

Arcensus
Classification: Likely pathogenic for Lynch syndrome 5. Last evaluated: 2013-02-01. Review status: criteria provided, single submitter. Criteria: ACMG Guidelines, 2015. Collection method: clinical testing. Allele origin: germline. Affected: yes.

CZECANCA consortium
Classification: Pathogenic for Uterine corpus cancer. Last evaluated: 2023-02-21. Review status: no assertion criteria provided. Collection method: clinical testing. Allele origin: germline. Affected: yes. Observed: 1 variant allele. Not counted in ClinVar's aggregate classification.

Literature cited by the submitters: PubMed 18269114 (cited by Labcorp Genetics (formerly Invitae), Labcorp); PubMed 24362816 (cited by Labcorp Genetics (formerly Invitae), Labcorp).